The following is an entry in ClinVar:

NM_000016.6(ACADM):c.668T>C (p.Ile223Thr)

Gene: ACADM (acyl-CoA dehydrogenase medium chain; plus strand). Cytogenetic location: 1p31.1.
Variant type: single nucleotide variant.
Coding change: c.668T>C on transcript NM_000016.6 (MANE Select); coding-DNA position 668, T replaced by C.
Protein change: p.Ile223Thr; replaces isoleucine 223 with threonine.
Molecular consequence: missense variant.
Genome position (GRCh38, 1-based): chr1:75,745,874, T>C. VCF-style: chr1-75745874-T-C. GRCh37 (hg19) VCF-style: chr1-76211559-T-C.
Other names: c.680T>C, p.Ile227Thr (NM_001127328.3); c.560T>C, p.Ile187Thr (NM_001286042.2); c.767T>C, p.Ile256Thr (NM_001286043.2); c.101T>C, p.Ile34Thr (NM_001286044.2); short protein forms I187T, I256T, I34T, I223T, I227T.
Identifiers: ClinVar variation 858831 (VCV000858831.14), dbSNP rs758111285, ClinGen allele CA913172.
Genomic context (GRCh38, chr1:75,745,874, plus strand): 5'-TATTGGCACGTTCTGATCCAGATCCTAAAGCTCCTGCTAATAAAGCCTTTACTGGATTCA[T>C]TGTGGAAGCAGATACCCCAGGAATTCAGATTGGGAGAAAGGTAAAGTATTTATTAATGAT-3'
Protein context (NP_000007.1, residues 213-233): APANKAFTGF[Ile223Thr]VEADTPGIQI

ClinVar aggregate classification (germline): Pathogenic/Likely pathogenic. Review status: criteria provided, multiple submitters, no conflicts (2 of 4 stars). 5 submissions from 5 submitters: Pathogenic (1); Likely pathogenic (4). Last evaluated 2025-09-02.

Conditions:
Medium-chain acyl-coenzyme A dehydrogenase deficiency (ACADMD). Also called: MCADH DEFICIENCY; Medium chain acyl-CoA dehydrogenase deficiency; MCAD Deficiency; ACADM DEFICIENCY; MCADD; CARNITINE DEFICIENCY SECONDARY TO MEDIUM-CHAIN ACYL-CoA DEHYDROGENASE DEFICIENCY. Identifiers: Orphanet 42, MedGen C0220710, MONDO:0008721, OMIM 201450.

Allele frequency attached by ClinVar (database versions not stated): ExAC 0.00001; gnomAD exomes 0.00001 and 0.00002.
gnomAD v4.1: 4 of 1,613,930 alleles (0.00025%); highest among the groups gnomAD compares: Admixed American, 0.0033%; no homozygotes.

Submissions (5):

Natera, Inc.
Classification: Likely pathogenic for Medium Chain Acyl-CoA Dehydrogenase Deficiency. Last evaluated: 2025-09-02. Review status: criteria provided, single submitter. Criteria: Natera Variant Classification Schema (03/2026). Collection method: clinical testing. Allele origin: germline.
Comment: The c.668T>C variant in ACADM is a missense variant predicted to cause substitution of isoleucine to threonine at amino acid 223. This variant is rare in the general population with a frequency below the threshold expected for the associated phenotype(s). This variant has been observed in one or more individuals affected with the associated recessive disease, as either homozygous or compound heterozygous with a second variant (PMID: 33841490). This variant has been identified in one or more affected individual with a phenotype highly consistent with the associated gene (PMID: 33841490). Computational prediction algorithms indicate this variant is likely to affect gene or protein function. Given the available evidence, this variant is classified as Likely Pathogenic.

Women's Health and Genetics/Laboratory Corporation of America, LabCorp
Classification: Likely pathogenic for Medium-chain acyl-coenzyme A dehydrogenase deficiency. Last evaluated: 2025-08-21. Review status: criteria provided, single submitter. Criteria: LabCorp Variant Classification Summary - May 2015. Collection method: clinical testing. Allele origin: germline.
Comment: Variant summary: ACADM c.668T>C (p.Ile223Thr) results in a non-conservative amino acid change located in the Acyl-CoA oxidase/dehydrogenase, middle domain (IPR006091) of the encoded protein sequence. Algorithms developed to predict the effect of missense changes on protein structure and function all suggest that this variant is likely to be disruptive. The variant allele was found at a frequency of 2e-05 in 251366 control chromosomes. c.668T>C has been observed in individual(s) affected with Medium Chain Acyl-CoA Dehydrogenase Deficiency (Gong_2021). These data indicate that the variant may be associated with disease. To our knowledge, no experimental evidence demonstrating an impact on protein function has been reported. The following publications have been ascertained in the context of this evaluation (PMID: 33841490, 36068006). ClinVar contains an entry for this variant (Variation ID: 858831). Based on the evidence outlined above, the variant was classified as likely pathogenic.

Labcorp Genetics (formerly Invitae), Labcorp
Classification: Pathogenic for Medium-chain acyl-coenzyme A dehydrogenase deficiency. Last evaluated: 2024-02-02. Review status: criteria provided, single submitter. Criteria: Invitae Variant Classification Sherloc (09022015). Collection method: clinical testing. Allele origin: germline.
Comment: This sequence change replaces isoleucine, which is neutral and non-polar, with threonine, which is neutral and polar, at codon 223 of the ACADM protein (p.Ile223Thr). This variant is present in population databases (rs758111285, gnomAD 0.01%). This missense change has been observed in individual(s) with medium-chain acyl-CoA dehydrogenase deficiency (PMID: 33841490). ClinVar contains an entry for this variant (Variation ID: 858831). Advanced modeling of protein sequence and biophysical properties (such as structural, functional, and spatial information, amino acid conservation, physicochemical variation, residue mobility, and thermodynamic stability) performed at Invitae indicates that this missense variant is expected to disrupt ACADM protein function with a positive predictive value of 80%. For these reasons, this variant has been classified as Pathogenic.

Baylor Genetics
Classification: Likely pathogenic for Medium-chain acyl-coenzyme A dehydrogenase deficiency. Last evaluated: 2023-08-02. Review status: criteria provided, single submitter. Criteria: ACMG Guidelines, 2015. Collection method: clinical testing. Allele origin: unknown.

Juno Genomics, Hangzhou Juno Genomics, Inc
Classification: Likely pathogenic for Medium-chain acyl-coenzyme A dehydrogenase deficiency. Review status: criteria provided, single submitter. Criteria: ACMG Guidelines, 2015. Collection method: clinical testing. Allele origin: germline.
Comment: Absent from controls (or at extremely low frequency if recessive) in Genome Aggregation Database.;Multiple lines of computational evidence support a deleterious effect on the gene or gene product.;For recessive disorders, detected in trans with a pathogenic variant.

Literature cited by the submitters: PubMed 33841490 (cited by 3 submitters); PubMed 36068006 (cited by Women's Health and Genetics/Laboratory Corporation of America, LabCorp).